The following is an entry in ClinVar:

NM_001458.5(FLNC):c.2188_2205del (p.Tyr730_Pro735del)

Gene: FLNC (filamin C; plus strand). Cytogenetic location: 7q32.1.
Variant type: Deletion.
Coding change: c.2188_2205del on transcript NM_001458.5 (MANE Select); coding-DNA positions 2188 to 2205, 18 bases deleted (TACGTGCCCACCAAGCCC).
Protein change: p.Tyr730_Pro735del.
Molecular consequence: inframe deletion.
Genome position (GRCh38, 1-based): chr7:128,842,297-128,842,314, TACGTGCCCACCAAGCCC deleted; deleting any 18 consecutive bases within chr7:128,842,295-128,842,314 gives the same sequence; the c. name uses the placement nearest the transcript's 3' end. VCF-style (leftmost placement, unchanged base first): chr7-128842294-TCCTACGTGCCCACCAAGC-T. GRCh37 (hg19) VCF-style: chr7-128482348-TCCTACGTGCCCACCAAGC-T.
Other names: c.2188_2205del, p.Tyr730_Pro735del (NM_001127487.2).
Identifiers: ClinVar variation 1503915 (VCV001503915.6), dbSNP rs2128935556, ClinGen allele CA2573141711.
Genomic context (GRCh38, chr7:128,842,294, plus strand): 5'-GCCGACGGCTGTCCCATCGACATCAAGGTGATCCCCAACGGCGACGGCACCTTCCGCTGC[TCCTACGTGCCCACCAAGC>T]CCATTAAGCACACCATCATCATCTCCTGGGGAGGCGTAAACGTGCCCAAGAGCCCCTTCC-3'

ClinVar aggregate classification (germline): Uncertain significance (1 of 4 stars; one submission).

Conditions:
Hypertrophic cardiomyopathy 26. Also called: Cardiomyopathy, familial hypertrophic, 26. Identifiers: Orphanet 75249, MedGen C4310749, MONDO:0014883, OMIM 617047.
Myofibrillar myopathy 5. Also called: Filaminopathy (type); FILAMINOPATHY, AUTOSOMAL DOMINANT. Identifiers: Orphanet 171445, MedGen C1836050, MONDO:0012289, OMIM 609524.
Distal myopathy with posterior leg and anterior hand involvement. Also called: WILLIAMS DISTAL MYOPATHY. Identifiers: Orphanet 63273, MedGen C3279722, MONDO:0013550, OMIM 614065.

Submission:

Labcorp Genetics (formerly Invitae), Labcorp
Classification: Uncertain significance for Distal myopathy with posterior leg and anterior hand involvement; Myofibrillar myopathy 5; Hypertrophic cardiomyopathy 26. Last evaluated: 2021-09-08. Review status: criteria provided, single submitter. Criteria: Invitae Variant Classification Sherloc (09022015). Collection method: clinical testing. Allele origin: germline.
Comment: This variant, c.2188_2205del, results in the deletion of 6 amino acid(s) of the FLNC protein (p.Tyr730_Pro735del), but otherwise preserves the integrity of the reading frame. This variant is not present in population databases (ExAC no frequency). This variant has not been reported in the literature in individuals affected with FLNC-related conditions. Experimental studies and prediction algorithms are not available or were not evaluated, and the functional significance of this variant is currently unknown. In summary, the available evidence is currently insufficient to determine the role of this variant in disease. Therefore, it has been classified as a Variant of Uncertain Significance.